The following continues an entry in ClinVar:

NM_007294.4(BRCA1):c.3400G>T (p.Glu1134Ter)

ClinVar aggregate classification (germline): Pathogenic. Pathogenic (1).

Submissions 13 to 23 of 23:

Women's Health and Genetics/Laboratory Corporation of America, LabCorp
Classification: Pathogenic for Hereditary breast ovarian cancer syndrome. Last evaluated: 2022-04-11. Review status: criteria provided, single submitter. Criteria: LabCorp Variant Classification Summary - May 2015. Collection method: clinical testing. Allele origin: germline. Not counted in ClinVar's aggregate classification.
Comment: Variant summary: BRCA1 c.3400G>T (p.Glu1134X) results in a premature termination codon, predicted to cause a truncation of the encoded protein or absence of the protein due to nonsense mediated decay, which are commonly known mechanisms for disease. Truncations downstream of this position have been classified as pathogenic by our laboratory. The variant allele was found at a frequency of 4e-06 in 250824 control chromosomes. c.3400G>T has been reported in the literature in multiple individuals affected with Hereditary Breast And Ovarian Cancer Syndrome (example, Nedelcu_2002, Thomassen_2008, Pal_2005). These data indicate that the variant is very likely to be associated with disease. Multiple clinical diagnostic laboratories, an expert panel (ENIGMA) and a consortium (CIMBA) have submitted clinical-significance assessments for this variant to ClinVar after 2014 without evidence for independent evaluation. All submitters classified the variant as pathogenic. Based on the evidence outlined above, the variant was classified as pathogenic.

National Health Laboratory Service, Universitas Academic Hospital and University of the Free State
Classification: Pathogenic for Hereditary breast ovarian cancer syndrome. Last evaluated: 2021-11-16. Review status: criteria provided, single submitter. Criteria: ACMG Guidelines, 2015. Collection method: clinical testing. Allele origin: germline. Affected: yes. Observed: 1 variant allele. Not counted in ClinVar's aggregate classification.

Genetics Program, Instituto Nacional de Cancer
Classification: Pathogenic for Hereditary breast ovarian cancer syndrome. Last evaluated: 2021-11-01. Review status: criteria provided, single submitter. Criteria: ACMG Guidelines, 2015. Collection method: research. Allele origin: germline. Affected: yes. Not counted in ClinVar's aggregate classification.

GeneDx
Classification: Pathogenic. Last evaluated: 2021-09-21. Review status: criteria provided, single submitter. Criteria: GeneDx Variant Classification Process June 2021. Collection method: clinical testing. Allele origin: germline. Affected: yes. Not counted in ClinVar's aggregate classification.
Comment: Nonsense variant predicted to result in protein truncation or nonsense mediated decay in a gene for which loss-of-function is a known mechanism of disease; Observed in individuals with a personal or family history consistent with pathogenic variants in this gene (Bergthorsson 2001, Nedelcu 2002, Pal 2005, Couch 2015, Wei 2018); Not observed at a significant frequency in large population cohorts (Lek 2016); Truncating variants in this gene are considered pathogenic by a well-established clinical consortium and/or database; Also known as 3519G>T; This variant is associated with the following publications: (PMID: 10644434, 29446198, 29752822, 31825140, 32380732, 31897316, 25452441, 23704984, 21702907, 16234499, 11748305, 11938448, 21233401, 16284991, 21913181, 19329713, 27221827, 11389159, 27836010, 27376475, 25525159, 29339979, 29805665, 31447099)

Color Diagnostics, LLC DBA Color Health
Classification: Pathogenic for Hereditary cancer-predisposing syndrome. Last evaluated: 2021-03-02. Review status: criteria provided, single submitter. Criteria: ACMG Guidelines, 2015. Collection method: clinical testing. Allele origin: germline. Not counted in ClinVar's aggregate classification.
Comment: This variant changes 1 nucleotide in exon 10 of the BRCA1 gene, creating a premature translation stop signal. This variant is expected to result in an absent or non-functional protein product. To our knowledge, functional studies have not been reported for this variant. This variant has been observed in at least 10 individuals and families affected with breast and ovarian cancer (PMID: 11389159, 11938448, 16284991, 18465347, 25452441, 27376475, 29339979, 29752822). This variant has been identified in 1/250824 chromosomes in the general population by the Genome Aggregation Database (gnomAD). Loss of BRCA1 function is a known mechanism of disease. Based on the available evidence, this variant is classified as Pathogenic.

Laboratory for Molecular Medicine, Mass General Brigham Personalized Medicine
Classification: Pathogenic for Hereditary breast ovarian cancer syndrome. Last evaluated: 2018-01-17. Review status: criteria provided, single submitter. Criteria: LMM Criteria. Collection method: clinical testing. Allele origin: germline. Inheritance: Autosomal dominant inheritance. Observed: 1 variant allele. Not counted in ClinVar's aggregate classification.
Comment: The p.Glu1134X variant in BRCA1 has been reported in >20 individuals with BRCA1- associated cancers (Wagner 1999, Bergthorsson 2001, Nedelcu 2002, Pal 2005, Couc h 2015, Rebbeck 2016, Breast Cancer Information Core (BIC) database) and was absent from large population studies. This non sense variant leads to a premature termination codon at position 1134, which is predicted to lead to a truncated or absent protein. Heterozygous loss of functio n of the BRCA1 gene is an established disease mechanism in individuals with here ditary breast and ovarian cancer (HBOC). In addition, this variant was classifie d as Pathogenic on April 22, 2016 by the ClinGen-approved ENIGMA expert panel (C linVar SCV000282306.1). In summary, this variant meets criteria to be classified as pathogenic for HBOC in an autosomal dominant manner based upon presence in m ultiple affected individuals, absence in the general population and predicted im pact to the protein. ACMG/AMP Criteria applied: PVS1; PS4; PM2 (Richards 2015).

Consortium of Investigators of Modifiers of BRCA1/2 (CIMBA), c/o University of Cambridge
Classification: Pathogenic for Breast-ovarian cancer, familial, susceptibility to, 1. Last evaluated: 2015-10-02. Review status: criteria provided, single submitter. Criteria: CIMBA Mutation Classification guidelines May 2016. Collection method: clinical testing. Allele origin: germline. Not counted in ClinVar's aggregate classification.

Department of Medical Genetics, Oslo University Hospital
Classification: Pathogenic for Breast-ovarian cancer, familial, susceptibility to, 1. Last evaluated: 2015-07-09. Review status: criteria provided, single submitter. Criteria: ACMG Guidelines, 2015. Collection method: clinical testing. Allele origin: germline. Affected: yes. Observed: 1 variant allele. Not counted in ClinVar's aggregate classification.

Research Molecular Genetics Laboratory, Women's College Hospital, University of Toronto
Classification: Pathogenic for Hereditary breast ovarian cancer syndrome. Last evaluated: 2014-01-31. Review status: no assertion criteria provided. Collection method: research. Allele origin: germline. Affected: yes. Study: The Canadian Open Genetics Repository (COGR). Not counted in ClinVar's aggregate classification.

Sharing Clinical Reports Project (SCRP)
Classification: Pathogenic for Breast-ovarian cancer, familial 1. Last evaluated: 2011-12-07. Review status: no assertion criteria provided. Collection method: clinical testing. Allele origin: germline. Not counted in ClinVar's aggregate classification.

Breast Cancer Information Core (BIC) (BRCA1)
Classification: Pathogenic for Breast-ovarian cancer, familial 1. Last evaluated: 2002-05-29. Review status: no assertion criteria provided. Collection method: clinical testing. Allele origin: germline. Affected: yes. Observed: 15 variant alleles. Not counted in ClinVar's aggregate classification.

Literature cited by the submitters: PubMed 20104584 (cited by Labcorp Genetics (formerly Invitae), Labcorp); PubMed 10644434 (cited by 4 submitters); PubMed 11389159 (cited by 3 submitters); PubMed 16284991 (cited by 3 submitters); PubMed 25452441 (cited by 3 submitters); PubMed 26833046 (cited by Labcorp Genetics (formerly Invitae), Labcorp); PubMed 27376475 (cited by Labcorp Genetics (formerly Invitae), Labcorp and Quest Diagnostics Nichols Institute San Juan Capistrano); PubMed 27836010 (cited by 4 submitters); PubMed 33471991 (cited by Quest Diagnostics Nichols Institute San Juan Capistrano); PubMed 36329109 (cited by Quest Diagnostics Nichols Institute San Juan Capistrano and Genetics Program, Instituto Nacional de Cancer); PubMed 38709234 (cited by Quest Diagnostics Nichols Institute San Juan Capistrano); PubMed 36999648 (cited by Quest Diagnostics Nichols Institute San Juan Capistrano); PubMed 29752822 (cited by Quest Diagnostics Nichols Institute San Juan Capistrano and Ambry Genetics); PubMed 29339979 (cited by Quest Diagnostics Nichols Institute San Juan Capistrano and Ambry Genetics); PubMed 31447099 (cited by Quest Diagnostics Nichols Institute San Juan Capistrano); PubMed 31825140 (cited by Quest Diagnostics Nichols Institute San Juan Capistrano); PubMed 17688236 (cited by Quest Diagnostics Nichols Institute San Juan Capistrano); PubMed 21233401 (cited by Quest Diagnostics Nichols Institute San Juan Capistrano); PubMed 18465347 (cited by Ambry Genetics and Women's Health and Genetics/Laboratory Corporation of America, LabCorp); PubMed 29805665 (cited by Ambry Genetics); PubMed 32380732 (cited by Ambry Genetics); PubMed 11938448 (cited by Women's Health and Genetics/Laboratory Corporation of America, LabCorp and Laboratory for Molecular Medicine, Mass General Brigham Personalized Medicine); DOI 10.3389/fgene.2022.834265 (cited by National Health Laboratory Service, Universitas Academic Hospital and University of the Free State).